The following is an entry in ClinVar:

ClinVar aggregate classification (germline): Pathogenic (1 of 4 stars; one submission).

Conditions:
Beckwith-Wiedemann syndrome (BWS). Also called: Exomphalos macroglossia gigantism syndrome; EMG SYNDROME. Identifiers: Orphanet 116, MedGen C0004903, MONDO:0007534, OMIM 130650.

Submission:

Labcorp Genetics (formerly Invitae), Labcorp
Classification: Pathogenic for Beckwith-Wiedemann syndrome. Last evaluated: 2022-09-17. Review status: criteria provided, single submitter. Criteria: Invitae Variant Classification Sherloc (09022015). Collection method: clinical testing. Allele origin: germline.
Comment: For these reasons, this variant has been classified as Pathogenic. This variant has not been reported in the literature in individuals affected with CDKN1C-related conditions. This variant is not present in population databases (gnomAD no frequency). This sequence change creates a premature translational stop signal (p.Gly75Trpfs*50) in the CDKN1C gene. It is expected to result in an absent or disrupted protein product. Loss-of-function variants in CDKN1C are known to be pathogenic (PMID: 20503313).

Literature cited by the submitters: PubMed 20503313.

NM_001122630.2(CDKN1C):c.185dup (p.Gly64fs)

Gene: CDKN1C (cyclin dependent kinase inhibitor 1C; minus strand). Cytogenetic location: 11p15.4.
Variant type: Duplication.
Coding change: c.185dup on transcript NM_001122630.2 (MANE Select); coding-DNA position 185, one base duplicated (G; older notation c.185dupG).
Protein change: p.Gly64fs; shifts the reading frame from glycine 64.
Molecular consequence: frameshift variant.
Genome position (GRCh38, 1-based): chr11:2,885,272, C duplicated on the plus strand (G on the coding strand, the reverse complement: CDKN1C is on the minus strand); the first of 4 consecutive C bases (chr11:2,885,272-2,885,275); duplicating any one gives the same sequence. VCF-style (leftmost placement, unchanged base first): chr11-2885271-G-GC. GRCh37 (hg19) VCF-style: chr11-2906501-G-GC.
Other names: c.218dup, p.Gly75fs (NM_000076.2, NM_001362474.2); c.185dup, p.Gly64fs (NM_001122631.2, NM_001362475.2); short protein forms G64fs, G75fs.
Identifiers: ClinVar variation 2030921 (VCV002030921.4), dbSNP rs483352971, ClinGen allele CA2580082692.